The following is an entry in ClinVar:

NM_153676.4(USH1C):c.922dup (p.Arg308fs)

Gene: USH1C (USH1 protein network component harmonin; minus strand). Cytogenetic location: 11p15.1.
Variant type: Duplication.
Coding change: c.922dup on transcript NM_153676.4 (MANE Select); coding-DNA position 922, one base duplicated (C; older notation c.922dupC).
Protein change: p.Arg308fs; shifts the reading frame from arginine 308.
Molecular consequence: frameshift variant. On other transcripts: non-coding transcript variant (1).
Genome position (GRCh38, 1-based): chr11:17,522,881, G duplicated on the plus strand (C on the coding strand, the reverse complement: USH1C is on the minus strand). VCF-style (leftmost placement, unchanged base first): chr11-17522880-C-CG. GRCh37 (hg19) VCF-style: chr11-17544427-C-CG.
Other names: c.865dup, p.Arg289fs (NM_001297764.2); c.955dup, p.Arg319fs (NM_001440679.1, NM_001440684.1); c.922dup, p.Arg308fs (NM_001440680.1, NM_001440681.1, NM_001440682.1 and 4 more transcripts); c.898dup, p.Arg300fs (NM_001440686.1); short protein forms R289fs, R300fs, R308fs, R319fs.
Identifiers: ClinVar variation 5011957 (VCV005011957.1).

ClinVar aggregate classification (germline): Pathogenic (1 of 4 stars; one submission).

Conditions:
Usher syndrome type 1C. Also called: USHER SYNDROME, TYPE I, ACADIAN VARIETY. Identifiers: Orphanet 231169, Orphanet 886, MedGen C1848604, MONDO:0010171, OMIM 276904.

Submission:

Myriad Genetics, Inc.
Classification: Pathogenic for Usher syndrome type 1C. Last evaluated: 2023-09-27. Review status: criteria provided, single submitter. Criteria: Myriad Autosomal Dominant, Autosomal Recessive and X-Linked Classification Criteria (2023). Collection method: clinical testing. Allele origin: unknown.
Comment: NM_005709.3(USH1C):c.922dupC(R308Pfs*4) is expected to be pathogenic in the context of USH1C-related disorders. This variant is predicted to lead to an abnormal or absent protein product due to the creation of a premature termination codon in USH1C, a gene where loss-of-function variants are known to be pathogenic. Please note: this variant was assessed in the context of healthy population screening.